The following is an entry in ClinVar:

NM_001440.4(EXTL3):c.697G>T (p.Asp233Tyr)

Gene: EXTL3 (exostosin like glycosyltransferase 3; plus strand). Cytogenetic location: 8p21.1.
Variant type: single nucleotide variant.
Coding change: c.697G>T on transcript NM_001440.4 (MANE Select); coding-DNA position 697, G replaced by T.
Protein change: p.Asp233Tyr; replaces aspartic acid 233 with tyrosine.
Molecular consequence: missense variant.
Genome position (GRCh38, 1-based): chr8:28,716,756, G>T. VCF-style: chr8-28716756-G-T. GRCh37 (hg19) VCF-style: chr8-28574273-G-T.
Other names: c.697G>T (NM_001440.2); short protein forms D233Y.
Identifiers: ClinVar variation 1897807 (VCV001897807.3), dbSNP rs147818144, ClinGen allele CA4696045.

ClinVar aggregate classification (germline): Uncertain significance. Review status: criteria provided, multiple submitters, no conflicts (2 of 4 stars). 2 submissions from 2 submitters: Uncertain significance (2). Last evaluated 2024-11-15.

Conditions:
Inborn genetic diseases. Identifiers: MedGen C0950123, MeSH D030342.

Allele frequency attached by ClinVar (database versions not stated): ExAC 0.00005; ESP Exome Variant Server 0.00015; 1000 Genomes Project 30x 0.00016; gnomAD 0.00018; TOPMed 0.00019; 1000 Genomes Project 0.00020.
gnomAD v4.1: 46 of 1,614,268 alleles (0.0028%); highest among the groups gnomAD compares: African/African-American, 0.06%; no homozygotes.

Submissions (2):

Ambry Genetics
Classification: Uncertain significance for Inborn genetic diseases. Last evaluated: 2024-11-15. Review status: criteria provided, single submitter. Criteria: Ambry Variant Classification Scheme 2023. Collection method: clinical testing. Allele origin: germline.

Labcorp Genetics (formerly Invitae), Labcorp
Classification: Uncertain significance. Last evaluated: 2022-09-27. Review status: criteria provided, single submitter. Criteria: Invitae Variant Classification Sherloc (09022015). Collection method: clinical testing. Allele origin: germline.
Comment: This sequence change replaces aspartic acid, which is acidic and polar, with tyrosine, which is neutral and polar, at codon 233 of the EXTL3 protein (p.Asp233Tyr). This variant is present in population databases (rs147818144, gnomAD 0.07%). This variant has not been reported in the literature in individuals affected with EXTL3-related conditions. Advanced modeling of protein sequence and biophysical properties (such as structural, functional, and spatial information, amino acid conservation, physicochemical variation, residue mobility, and thermodynamic stability) performed at Invitae indicates that this missense variant is not expected to disrupt EXTL3 protein function. In summary, the available evidence is currently insufficient to determine the role of this variant in disease. Therefore, it has been classified as a Variant of Uncertain Significance.